The following is an entry in ClinVar:

NM_021098.3(CACNA1H):c.5619_5620delinsAT (p.Asp1873_Ala1874delinsGluSer)

Gene: CACNA1H (calcium voltage-gated channel subunit alpha1 H; plus strand). Cytogenetic location: 16p13.3.
Variant type: Indel.
Coding change: c.5619_5620delinsAT on transcript NM_021098.3 (MANE Select); coding-DNA positions 5619 to 5620, TG replaced by AT.
Protein change: p.Asp1873_Ala1874delinsGluSer.
Molecular consequence: missense variant.
Genome position (GRCh38, 1-based): chr16:1,218,383-1,218,384, TG replaced by AT. VCF-style: chr16-1218383-TG-AT. GRCh37 (hg19) VCF-style: chr16-1268383-TG-AT.
Other names: c.5601_5602delinsAT, p.Asp1867_Ala1868delinsGluSer (NM_001005407.2).
Identifiers: ClinVar variation 4787815 (VCV004787815.1).
Genomic context (GRCh38, chr16:1,218,383, plus strand): 5'-CGTGGTGGTGGCCGTGCTCATGAAGCACCTGGAGGAGAGCAACAAGGAGGCACGGGAGGA[TG>AT]CGGAGCTGGACGCCGAGATCGAGCTGGAGATGGCGCAGGGCCCCGGGAGTGCACGCCGGG-3'

ClinVar aggregate classification (germline): Uncertain significance (1 of 4 stars; one submission).

Conditions:
Idiopathic generalized epilepsy. Also called: EIG; Generalised epilepsy. Identifiers: MedGen C0270850, MONDO:0005579, OMIM 600669.
Hyperaldosteronism, familial, type IV (HALD4). Also called: FH IV; ALDOSTERONISM, PRIMARY, AND HYPERTENSION. Identifiers: Orphanet 642671, MedGen C4310756, MONDO:0014875, OMIM 617027.

Submission:

Labcorp Genetics (formerly Invitae), Labcorp
Classification: Uncertain significance for Idiopathic generalized epilepsy; Hyperaldosteronism, familial, type IV. Last evaluated: 2026-01-31. Review status: criteria provided, single submitter. Criteria: Invitae Variant Classification Sherloc (09022015). Collection method: clinical testing. Allele origin: germline.
Comment: This variant, c.5619_5620delinsAT, is a complex sequence change that results in the deletion of 2 and insertion of 2 amino acid(s) in the CACNA1H protein (p.Asp1873_Ala1874delinsGluSer). Information on the frequency of this variant in the gnomAD database is not available, as this variant may be reported differently in the database. This variant has not been reported in the literature in individuals affected with CACNA1H-related conditions. Experimental studies and prediction algorithms are not available or were not evaluated, and the functional significance of this variant is currently unknown. In summary, the available evidence is currently insufficient to determine the role of this variant in disease. Therefore, it has been classified as a Variant of Uncertain Significance.